The following is an entry in ClinVar:

NM_001563.4(IMPG1):c.1112T>C (p.Val371Ala)

Gene: IMPG1 (interphotoreceptor matrix proteoglycan 1; minus strand). Cytogenetic location: 6q14.1.
Variant type: single nucleotide variant.
Coding change: c.1112T>C on transcript NM_001563.4 (MANE Select); coding-DNA position 1112, T replaced by C.
Protein change: p.Val371Ala; replaces valine 371 with alanine.
Molecular consequence: missense variant.
Genome position (GRCh38, 1-based): chr6:76,005,310, A>G on the plus strand (T>C on the coding strand, the complement: IMPG1 is on the minus strand). VCF-style: chr6-76005310-A-G. GRCh37 (hg19) VCF-style: chr6-76715027-A-G.
Other names: c.1112T>C (NM_001563.2); c.878T>C, p.Val293Ala (NM_001282368.2); short protein forms V293A, V371A.
Identifiers: ClinVar variation 1920537 (VCV001920537.7), dbSNP rs762218489, ClinGen allele CA3898232.

ClinVar aggregate classification (germline): Uncertain significance. Review status: criteria provided, multiple submitters, no conflicts (2 of 4 stars). 3 submissions from 3 submitters: Uncertain significance (3). Last evaluated 2025-12-09.

Allele frequency attached by ClinVar (database versions not stated): gnomAD exomes below 0.00001; gnomAD 0.00001; TOPMed 0.00001; ExAC 0.00002.
gnomAD v4.1: 9 of 1,613,916 alleles (0.00056%); highest among the groups gnomAD compares: Admixed American, 0.0067%; no homozygotes.

Submissions (3):

Ambry Genetics
Classification: Uncertain significance. Last evaluated: 2025-12-09. Review status: criteria provided, single submitter. Criteria: Ambry Variant Classification Scheme 2023. Collection method: clinical testing. Allele origin: germline.

Labcorp Genetics (formerly Invitae), Labcorp
Classification: Uncertain significance. Last evaluated: 2025-01-13. Review status: criteria provided, single submitter. Criteria: Invitae Variant Classification Sherloc (09022015). Collection method: clinical testing. Allele origin: germline.
Comment: This sequence change replaces valine, which is neutral and non-polar, with alanine, which is neutral and non-polar, at codon 371 of the IMPG1 protein (p.Val371Ala). This variant is present in population databases (rs762218489, gnomAD 0.003%). This missense change has been observed in individuals with retinitis pigmentosa (internal data). It has also been observed to segregate with disease in related individuals. ClinVar contains an entry for this variant (Variation ID: 1920537). An algorithm developed to predict the effect of missense changes on protein structure and function (PolyPhen-2) suggests that this variant is likely to be tolerated. In summary, the available evidence is currently insufficient to determine the role of this variant in disease. Therefore, it has been classified as a Variant of Uncertain Significance.

Blueprint Genetics
Classification: Uncertain significance. Last evaluated: 2020-09-14. Review status: criteria provided, single submitter. Criteria: ACMG Guidelines, 2015. Collection method: clinical testing. Allele origin: germline.